The following is an entry in ClinVar:

NM_016938.5(EFEMP2):c.340G>A (p.Glu114Lys)

Gene: EFEMP2 (EGF containing fibulin extracellular matrix protein 2; minus strand). Cytogenetic location: 11q13.1.
Variant type: single nucleotide variant.
Coding change: c.340G>A on transcript NM_016938.5 (MANE Select); coding-DNA position 340, G replaced by A.
Protein change: p.Glu114Lys; replaces glutamic acid 114 with lysine.
Molecular consequence: missense variant. On other transcripts: non-coding transcript variant (1).
Genome position (GRCh38, 1-based): chr11:65,871,184, C>T on the plus strand (G>A on the coding strand, the complement: EFEMP2 is on the minus strand). VCF-style: chr11-65871184-C-T. GRCh37 (hg19) VCF-style: chr11-65638655-C-T.
Other names: short protein forms E114K.
Identifiers: ClinVar variation 3226928 (VCV003226928.1), dbSNP rs1859958368, ClinGen allele CA381309000.

ClinVar aggregate classification (germline): Uncertain significance (1 of 4 stars; one submission).

Conditions:
Cardiovascular phenotype. Identifiers: MedGen CN230736.

Submission:

Ambry Genetics
Classification: Uncertain significance for Cardiovascular phenotype. Last evaluated: 2023-09-28. Review status: criteria provided, single submitter. Criteria: Ambry Variant Classification Scheme 2023. Collection method: clinical testing. Allele origin: germline.
Comment: The p.E114K variant (also known as c.340G>A), located in coding exon 3 of the EFEMP2 gene, results from a G to A substitution at nucleotide position 340. The glutamic acid at codon 114 is replaced by lysine, an amino acid with similar properties. This amino acid position is conserved. In addition, the in silico prediction for this alteration is inconclusive. Since supporting evidence is limited at this time, the clinical significance of this alteration remains unclear.